The following is an entry in ClinVar:

ClinVar aggregate classification (germline): Uncertain significance. Review status: criteria provided, multiple submitters, no conflicts (2 of 4 stars). 2 submissions from 2 submitters: Uncertain significance (2). Last evaluated 2025-06-03.

Conditions:
Cardiomyopathy (CMYO). Also called: Cardiomyopathies. Identifiers: Orphanet 167848, MedGen C0878544, MONDO:0004994, HP:0001638. Inheritance: Various modes of inheritance.
Arrhythmogenic right ventricular dysplasia 10. Also called: Arrhythmogenic Right Ventricular Dysplasia/Cardiomyopathy10; ARRHYTHMOGENIC RIGHT VENTRICULAR DYSPLASIA, FAMILIAL, 10; Arrhythmogenic right ventricular dysplasia/cardiomyopathy, type 10. Identifiers: MedGen C1857777, MONDO:0012434, OMIM 610193.

Allele frequency attached by ClinVar (database versions not stated): gnomAD exomes below 0.00001; TOPMed below 0.00001; ExAC 0.00001; gnomAD 0.00001; 1000 Genomes Project 30x 0.00016; 1000 Genomes Project 0.00020.
gnomAD v4.1: 3 of 1,614,226 alleles (0.00019%); highest among the groups gnomAD compares: Admixed American, 0.0033%; no homozygotes.

Submissions (2):

Color Diagnostics, LLC DBA Color Health
Classification: Uncertain significance for Cardiomyopathy. Last evaluated: 2025-06-03. Review status: criteria provided, single submitter. Criteria: ACMG Guidelines, 2015. Collection method: clinical testing. Allele origin: germline.
Comment: This missense variant replaces valine with methionine at codon 1046 of the DSG2 protein. Computational prediction suggests that this variant may not impact protein structure and function. To our knowledge, functional studies have not been reported for this variant. This variant has not been reported in individuals affected with DSG2-related disorders in the literature. This variant has been identified in 1/249452 chromosomes in the general population by the Genome Aggregation Database (gnomAD). The available evidence is insufficient to determine the role of this variant in disease conclusively. Therefore, this variant is classified as a Variant of Uncertain Significance.

Labcorp Genetics (formerly Invitae), Labcorp
Classification: Uncertain significance for Arrhythmogenic right ventricular dysplasia 10. Last evaluated: 2023-06-05. Review status: criteria provided, single submitter. Criteria: Invitae Variant Classification Sherloc (09022015). Collection method: clinical testing. Allele origin: germline.
Comment: This sequence change replaces valine, which is neutral and non-polar, with methionine, which is neutral and non-polar, at codon 1046 of the DSG2 protein (p.Val1046Met). This variant is not present in population databases (gnomAD no frequency). This variant has not been reported in the literature in individuals affected with DSG2-related conditions. Advanced modeling of protein sequence and biophysical properties (such as structural, functional, and spatial information, amino acid conservation, physicochemical variation, residue mobility, and thermodynamic stability) performed at Invitae indicates that this missense variant is not expected to disrupt DSG2 protein function. In summary, the available evidence is currently insufficient to determine the role of this variant in disease. Therefore, it has been classified as a Variant of Uncertain Significance.

NM_001943.5(DSG2):c.3136G>A (p.Val1046Met)

Genes: DSG2 (desmoglein 2; plus strand), DSG2-AS1 (DSG2 antisense RNA 1; minus strand). Cytogenetic location: 18q12.1.
Variant type: single nucleotide variant.
Coding change: c.3136G>A on transcript NM_001943.5 (MANE Select); coding-DNA position 3136, G replaced by A.
Protein change: p.Val1046Met; replaces valine 1046 with methionine.
Molecular consequence: missense variant.
Genome position (GRCh38, 1-based): chr18:31,546,522, G>A. VCF-style: chr18-31546522-G-A. GRCh37 (hg19) VCF-style: chr18-29126485-G-A.
Other names: short protein forms V1046M.
Identifiers: ClinVar variation 2971261 (VCV002971261.4), dbSNP rs185473038, ClinGen allele CA047984.